The following is an entry in ClinVar:

ClinVar aggregate classification (germline): Likely pathogenic (1 of 4 stars; one submission).

Conditions:
Fanconi-Bickel syndrome (FBS). Also called: HEPATIC GLYCOGENOSIS WITH AMINO ACIDURIA AND GLUCOSURIA; HEPATIC GLYCOGENOSIS WITH FANCONI NEPHROPATHY; HEPATORENAL GLYCOGENOSIS WITH RENAL FANCONI SYNDROME; PSEUDO-PHLORIZIN DIABETES; Glycogen storage disease due to GLUT2 deficiency; FANCONI SYNDROME WITH INTESTINAL MALABSORPTION AND GALACTOSE INTOLERANCE. Identifiers: Orphanet 2088, MedGen C3495427, MONDO:0009216, OMIM 227810.

gnomAD v4.1: 1 of 1,613,732 alleles (0.000062%); highest among the groups gnomAD compares: African/African-American, 0.0013%; no homozygotes.

Submission:

Women's Health and Genetics/Laboratory Corporation of America, LabCorp
Classification: Likely pathogenic for Fanconi-Bickel syndrome. Last evaluated: 2024-11-22. Review status: criteria provided, single submitter. Criteria: LabCorp Variant Classification Summary - May 2015. Collection method: clinical testing. Allele origin: germline.
Comment: Variant summary: SLC2A2 c.1330T>C (p.Trp444Arg) results in a non-conservative amino acid change in the encoded protein sequence. Five of five in-silico tools predict a damaging effect of the variant on protein function. The variant was absent in 250820 control chromosomes (gnomAD). c.1330T>C has been reported in the literature in individuals affected with Fanconi-Bickel syndrome (Tsuda_2000, Kehar_2014). These data indicate that the variant may be associated with disease. At least one publication reports experimental evidence evaluating an impact on protein function, finding that Xenopus oocytes expressing the variant showed no specific 2-DOG uptake. The following publications have been ascertained in the context of this evaluation (PMID: 11079206, 23986439). No submitters have cited clinical-significance assessments for this variant to ClinVar. Based on the evidence outlined above, the variant was classified as likely pathogenic.

Literature cited by the submitters: PubMed 23986439; PubMed 24912437; PubMed 11079206.

NM_000340.2(SLC2A2):c.1330T>C (p.Trp444Arg)

Gene: SLC2A2 (solute carrier family 2 member 2; minus strand). Cytogenetic location: 3q26.2.
Variant type: single nucleotide variant.
Coding change: c.1330T>C on transcript NM_000340.2 (MANE Select); coding-DNA position 1330, T replaced by C.
Protein change: p.Trp444Arg; replaces tryptophan 444 with arginine.
Molecular consequence: missense variant.
Genome position (GRCh38, 1-based): chr3:170,998,237, A>G on the plus strand (T>C on the coding strand, the complement: SLC2A2 is on the minus strand). VCF-style: chr3-170998237-A-G. GRCh37 (hg19) VCF-style: chr3-170716026-A-G.
Other names: c.973T>C, p.Trp325Arg (NM_001278658.2); c.811T>C, p.Trp271Arg (NM_001278659.2); short protein forms W271R, W325R, W444R.
Identifiers: ClinVar variation 3629930 (VCV003629930.1).
Genomic context (GRCh38, chr3:170,998,237, plus strand): 5'-ATATTAGGCTGCTTACCGCAATGTACTGGAAACACAGAGCTACAATGAAATTGCAGGTCC[A>G]ATTGCTGAATGCAGCTATTGCTAAAGCAGCAGGACGTGGTCCTTGACTGAAAAACTCAGC-3'
Protein context (NP_000331.1, residues 434-454): AALAIAAFSN[Trp444Arg]TCNFIVALCF